The following is an entry in ClinVar:

NM_012073.5(CCT5):c.753C>T (p.Leu251=)

Gene: CCT5 (chaperonin containing TCP1 subunit 5; plus strand). Cytogenetic location: 5p15.2.
Variant type: single nucleotide variant.
Coding change: c.753C>T on transcript NM_012073.5 (MANE Select); coding-DNA position 753, C replaced by T.
Protein change: p.Leu251=; no amino-acid change (leucine 251 retained).
Molecular consequence: synonymous variant.
Genome position (GRCh38, 1-based): chr5:10,258,415, C>T. VCF-style: chr5-10258415-C-T. GRCh37 (hg19) VCF-style: chr5-10258527-C-T.
Other names: c.690C>T, p.Leu230= (NM_001306153.1); c.588C>T, p.Leu196= (NM_001306154.2); c.474C>T, p.Leu158= (NM_001306155.2); c.639C>T, p.Leu213= (NM_001306156.2).
Identifiers: ClinVar variation 465408 (VCV000465408.34), dbSNP rs755384536, ClinGen allele CA3198164.

ClinVar aggregate classification (germline): Likely benign. Review status: criteria provided, multiple submitters, no conflicts (2 of 4 stars). 2 submissions from 2 submitters: Likely benign (2). Last evaluated 2025-09-04.

Conditions:
Hereditary sensory and autonomic neuropathy with spastic paraplegia (HSNSP). Identifiers: Orphanet 139578, MedGen C1850395, MONDO:0009748, OMIM 256840.

Allele frequency attached by ClinVar (database versions not stated): ExAC 0.00004; gnomAD exomes 0.00005 and 0.00015; gnomAD 0.00009 and 0.00010; TOPMed 0.00011.
gnomAD v4.1: 233 of 1,614,072 alleles (0.014%); highest among the groups gnomAD compares: Non-Finnish European, 0.019%; no homozygotes.

Submissions (2):

Labcorp Genetics (formerly Invitae), Labcorp
Classification: Likely benign for Hereditary sensory and autonomic neuropathy with spastic paraplegia. Last evaluated: 2025-09-04. Review status: criteria provided, single submitter. Criteria: Invitae Variant Classification Sherloc (09022015). Collection method: clinical testing. Allele origin: germline.

CeGaT Center for Human Genetics Tuebingen
Classification: Likely benign. Last evaluated: 2023-07-01. Review status: criteria provided, single submitter. Criteria: CeGaT Center For Human Genetics Tuebingen Variant Classification Criteria Version 2. Collection method: clinical testing. Allele origin: germline. Affected: yes. Observed: 1 variant allele.
Comment: CCT5: BP4, BP7